The following is an entry in ClinVar:

ClinVar aggregate classification (germline): Pathogenic (1 of 4 stars; one submission).

Submission:

Labcorp Genetics (formerly Invitae), Labcorp
Classification: Pathogenic. Last evaluated: 2025-11-03. Review status: criteria provided, single submitter. Criteria: Invitae Variant Classification Sherloc (09022015). Collection method: clinical testing. Allele origin: germline.
Comment: This sequence change creates a premature translational stop signal (p.Asn599delinsAlaLeuAla*) in the CDAN1 gene. It is expected to result in an absent or disrupted protein product. Loss-of-function variants in CDAN1 are known to be pathogenic (PMID: 16098079, 16141353). This variant is not present in population databases (gnomAD no frequency). This variant has not been reported in the literature in individuals affected with CDAN1-related conditions. For these reasons, this variant has been classified as Pathogenic.

Literature cited by the submitters: PubMed 16098079; PubMed 16141353.

NM_138477.4(CDAN1):c.1793_1794insTGCCCTGGCTTGAAGAT (p.Leu598_Asn599insAlaLeuAlaTer)

Gene: CDAN1 (codanin 1; minus strand). Cytogenetic location: 15q15.2.
Variant type: Insertion.
Coding change: c.1793_1794insTGCCCTGGCTTGAAGAT on transcript NM_138477.4 (MANE Select); coding-DNA positions 1793 to 1794, TGCCCTGGCTTGAAGAT inserted.
Protein change: p.Leu598_Asn599insAlaLeuAlaTer.
Molecular consequence: nonsense.
Genome position: GRCh38 VCF-style: chr15-42731277-G-GATCTTCAAGCCAGGGCA. GRCh37 (hg19) VCF-style: chr15-43023475-G-GATCTTCAAGCCAGGGCA.
Identifiers: ClinVar variation 4766326 (VCV004766326.1).